The following is an entry in ClinVar:

NM_003482.4(KMT2D):c.8912C>T (p.Thr2971Ile)

Gene: KMT2D (lysine methyltransferase 2D; minus strand). Cytogenetic location: 12q13.12.
Variant type: single nucleotide variant.
Coding change: c.8912C>T on transcript NM_003482.4 (MANE Select); coding-DNA position 8912, C replaced by T.
Protein change: p.Thr2971Ile; replaces threonine 2971 with isoleucine.
Molecular consequence: missense variant.
Genome position (GRCh38, 1-based): chr12:49,038,444, G>A on the plus strand (C>T on the coding strand, the complement: KMT2D is on the minus strand). VCF-style: chr12-49038444-G-A. GRCh37 (hg19) VCF-style: chr12-49432227-G-A.
Other names: short protein forms T2971I.
Identifiers: ClinVar variation 4998987 (VCV004998987.1).

ClinVar aggregate classification (germline): Uncertain significance (1 of 4 stars; one submission).

Conditions:
KMT2D-related disorder. Also called: KMT2D-Related Disorders.

gnomAD v4.1: 1 of 1,610,996 alleles (0.000062%); highest among the groups gnomAD compares: Non-Finnish European, 0.000085%; no homozygotes.

Submission:

PreventionGenetics, part of Exact Sciences
Classification: Uncertain significance for KMT2D-related condition. Last evaluated: 2025-03-07. Review status: criteria provided, single submitter. Criteria: ACMG Guidelines, 2015. Collection method: clinical testing. Allele origin: germline.
Comment: The KMT2D c.8912C>T variant is predicted to result in the amino acid substitution p.Thr2971Ile. To our knowledge, this variant has not been reported in the literature. This variant is reported in 0.00089% of alleles in individuals of European (Non-Finnish) descent in gnomAD. At this time, the clinical significance of this variant is uncertain due to the absence of conclusive functional and genetic evidence.